The following is an entry in ClinVar:

ClinVar aggregate classification (germline): Uncertain significance (1 of 4 stars; one submission).

Allele frequency attached by ClinVar (database versions not stated): gnomAD exomes below 0.00001; gnomAD 0.00001; TOPMed 0.00001.
gnomAD v4.1: 2 of 1,614,072 alleles (0.00012%); highest among the groups gnomAD compares: Non-Finnish European, 0.00017%; no homozygotes.

Submission:

GeneDx
Classification: Uncertain significance. Last evaluated: 2022-06-16. Review status: criteria provided, single submitter. Criteria: GeneDx Variant Classification Process June 2021. Collection method: clinical testing. Allele origin: germline. Affected: yes.
Comment: Not observed at significant frequency in large population cohorts (gnomAD); In silico analysis supports that this missense variant does not alter protein structure/function; Has not been previously published as pathogenic or benign to our knowledge

NM_001366521.1(ATP2B1):c.132T>G (p.Asp44Glu)

Gene: ATP2B1 (ATPase plasma membrane Ca2+ transporting 1; minus strand). Cytogenetic location: 12q21.33.
Variant type: single nucleotide variant.
Coding change: c.132T>G on transcript NM_001366521.1 (MANE Select); coding-DNA position 132, T replaced by G.
Protein change: p.Asp44Glu; replaces aspartic acid 44 with glutamic acid.
Molecular consequence: missense variant.
Genome position (GRCh38, 1-based): chr12:89,655,755, A>C on the plus strand (T>G on the coding strand, the complement: ATP2B1 is on the minus strand). VCF-style: chr12-89655755-A-C. GRCh37 (hg19) VCF-style: chr12-90049532-A-C.
Other names: c.132T>G, p.Asp44Glu (NM_001001323.2, NM_001366520.1, NM_001366522.1 and 26 more transcripts); short protein forms D44E.
Identifiers: ClinVar variation 1804327 (VCV001804327.1), dbSNP rs1487419438, ClinGen allele CA386128858.